The following is an entry in ClinVar:

NM_006796.3(AFG3L2):c.1862T>C (p.Leu621Pro)

Gene: AFG3L2 (AFG3 like matrix AAA peptidase subunit 2; minus strand). Cytogenetic location: 18p11.21.
Variant type: single nucleotide variant.
Coding change: c.1862T>C on transcript NM_006796.3 (MANE Select); coding-DNA position 1862, T replaced by C.
Protein change: p.Leu621Pro; replaces leucine 621 with proline.
Molecular consequence: missense variant.
Genome position (GRCh38, 1-based): chr18:12,340,319, A>G on the plus strand (T>C on the coding strand, the complement: AFG3L2 is on the minus strand). VCF-style: chr18-12340319-A-G. GRCh37 (hg19) VCF-style: chr18-12340318-A-G.
Other names: short protein forms L621P.
Identifiers: ClinVar variation 4975329 (VCV004975329.1).

ClinVar aggregate classification (germline): Uncertain significance (1 of 4 stars; one submission).

Submission:

GeneDx
Classification: Uncertain significance. Last evaluated: 2026-01-21. Review status: criteria provided, single submitter. Criteria: GeneDx Variant Classification Process June 2021. Collection method: clinical testing. Allele origin: germline.
Comment: Not observed at significant frequency in large population cohorts (gnomAD); In silico analysis supports that this missense variant has a deleterious effect on protein structure/function; Has not been previously published as pathogenic or benign to our knowledge